The following is an entry in ClinVar:

NM_001164508.2(NEB):c.3879+1G>A

Gene: NEB (nebulin; minus strand). Cytogenetic location: 2q23.3.
Variant type: single nucleotide variant.
Coding change: c.3879+1G>A on transcript NM_001164508.2 (MANE Select); the canonical splice donor site of the intron after coding-DNA position 3879, G replaced by A.
Molecular consequence: splice donor variant.
Genome position (GRCh38, 1-based): chr2:151,675,286, C>T on the plus strand (G>A on the coding strand, the complement: NEB is on the minus strand). VCF-style: chr2-151675286-C-T. GRCh37 (hg19) VCF-style: chr2-152531800-C-T.
Other names: c.3879+1G>A (NM_004543.5, NM_001164507.2, NM_001271208.2).
Identifiers: ClinVar variation 554705 (VCV000554705.21), dbSNP rs746999970, ClinGen allele CA1910808.

ClinVar aggregate classification (germline): Pathogenic/Likely pathogenic. Review status: criteria provided, multiple submitters, no conflicts (2 of 4 stars). 6 submissions from 6 submitters: Pathogenic (3); Likely pathogenic (2). 1 of the submissions does not count toward it. Last evaluated 2025-11-20.

Conditions:
Arthrogryposis multiplex congenita 6. Identifiers: MedGen C5543431, MONDO:0030281, OMIM 619334.
Nemaline myopathy. Also called: Myopathies, Nemaline. Identifiers: Orphanet 607, MedGen C0206157, MONDO:0018958.
Nemaline myopathy 2 (NEM2). Also called: Nemaline myopathy 2, autosomal recessive. Identifiers: MedGen C1850569, MONDO:0009725, OMIM 256030.

Allele frequency attached by ClinVar (database versions not stated): ExAC 0.00003; gnomAD 0.00001; gnomAD exomes 0.00001.
gnomAD v4.1: 12 of 1,558,560 alleles (0.00077%); highest among the groups gnomAD compares: South Asian, 0.0023%; no homozygotes.

Submissions (6):

Natera, Inc.
Classification: Pathogenic for Nemaline myopathy type 2. Last evaluated: 2025-11-20. Review status: criteria provided, single submitter. Criteria: Natera Variant Classification Schema (03/2026). Collection method: clinical testing. Allele origin: germline.
Comment: The c.3879+1G>A variant in NEB is a canonical splice donor site variant predicted to affect pre-mRNA splicing, which may result in an abnormal transcript and altered protein product. This variant is expected to result in nonsense mediated decay, truncation, or a dysfunctional protein product. This variant is rare in the general population with a frequency below the threshold expected for the associated phenotype(s). This variant has been observed in one or more individuals affected with the associated recessive disease, as either homozygous or compound heterozygous with a second variant (PMID: 25205138, 38438125, 37265148). This variant has been observed to segregate in affected family members (PMID: 40661861). Given the available evidence, this variant is classified as Pathogenic.

Labcorp Genetics (formerly Invitae), Labcorp
Classification: Pathogenic for Nemaline myopathy 2. Last evaluated: 2025-10-04. Review status: criteria provided, single submitter. Criteria: Invitae Variant Classification Sherloc (09022015). Collection method: clinical testing. Allele origin: germline.
Comment: This sequence change affects a donor splice site in intron 35 of the NEB gene. It is expected to disrupt RNA splicing. Variants that disrupt the donor or acceptor splice site typically lead to a loss of protein function (PMID: 16199547), and loss-of-function variants in NEB are known to be pathogenic (PMID: 25205138). The frequency data for this variant in the population databases is considered unreliable, as metrics indicate poor data quality at this position in the gnomAD database. Disruption of this splice site has been observed in individuals with nemaline myopathy who carry a second pathogenic variant (PMID: 25205138; internal data). ClinVar contains an entry for this variant (Variation ID: 554705). Algorithms developed to predict the effect of sequence changes on RNA splicing suggest that this variant may disrupt the consensus splice site. For these reasons, this variant has been classified as Pathogenic.

Women's Health and Genetics/Laboratory Corporation of America, LabCorp
Classification: Likely pathogenic for Nemaline myopathy. Last evaluated: 2025-01-27. Review status: criteria provided, single submitter. Criteria: LabCorp Variant Classification Summary - May 2015. Collection method: clinical testing. Allele origin: germline.
Comment: Variant summary: NEB c.3879+1G>A is located in a canonical splice-site and is predicted to affect mRNA splicing resulting in a significantly altered protein due to either exon skipping, shortening, or inclusion of intronic material. Variants that disrupt the consensus splice site are a relatively common cause of aberrant splicing and loss of NEB function. Several computational tools predict a significant impact on normal splicing: Four predict the variant abolishes a canonical 5' splicing donor site. However, these predictions have yet to be confirmed by functional studies. The frequency data for this variant in gnomAD is considered unreliable, as metrics indicate poor data quality at this position. c.3879+1G>A has been reported in the literature in individuals affected with Nemaline Myopathy 2 (examples: Lehtokari_2014, Khalaf_2024). These data indicate that the variant may be associated with disease. To our knowledge, no experimental evidence demonstrating an impact on protein function has been reported. The following publications have been ascertained in the context of this evaluation (PMID: 25205138, 38438125). ClinVar contains an entry for this variant (Variation ID: 554705). Based on the evidence outlined above, the variant was classified as likely pathogenic.

Baylor Genetics
Classification: Pathogenic for Arthrogryposis multiplex congenita 6. Last evaluated: 2024-03-30. Review status: criteria provided, single submitter. Criteria: ACMG Guidelines, 2015. Collection method: clinical testing. Allele origin: unknown.

GeneDx
Classification: Likely pathogenic. Last evaluated: 2023-10-12. Review status: criteria provided, single submitter. Criteria: GeneDx Variant Classification Process June 2021. Collection method: clinical testing. Allele origin: germline. Affected: yes.
Comment: Reported previously in a patient with nemaline myopathy who also harbored a second NEB variant; however phase was undetermined (Lehtokari et al., 2014); Canonical splice site variant predicted to result in an in-frame loss of the adjacent exon in a gene for which loss of function is a known mechanism of disease; Deletions involving coding exons in this gene are frequently reported as pathogenic, regardless of frame prediction (HGMD); Not observed at significant frequency in large population cohorts (gnomAD); This variant is associated with the following publications: (PMID: 25205138, 24077912)

Counsyl
Classification: Likely pathogenic for Nemaline myopathy 2. Last evaluated: 2017-11-01. Review status: no assertion criteria provided. Collection method: clinical testing. Allele origin: unknown. Not counted in ClinVar's aggregate classification.

Literature cited by the submitters: PubMed 25205138 (cited by 4 submitters); PubMed 38438125 (cited by Natera, Inc. and Women's Health and Genetics/Laboratory Corporation of America, LabCorp); PubMed 37265148 (cited by Natera, Inc.); PubMed 40661861 (cited by Natera, Inc.); PubMed 16199547 (cited by Labcorp Genetics (formerly Invitae), Labcorp).